The following is an entry in ClinVar:

ClinVar aggregate classification (germline): Conflicting classifications of pathogenicity. Review status: criteria provided, conflicting classifications (1 of 4 stars). 5 submissions from 5 submitters: Uncertain significance (4); Likely benign (1). Last evaluated 2024-10-23.

Conditions:
Hereditary breast ovarian cancer syndrome. Also called: Hereditary breast and ovarian cancer syndrome (HBOC); Hereditary breast and ovarian cancer syndrome; Breast and ovarian cancer; BRCA1- and BRCA2-Associated Hereditary Breast and Ovarian Cancer; Hereditary breast and ovarian cancer; Hereditary breast and/or ovarian cancer syndrome. Identifiers: Orphanet 145, MedGen C0677776, MeSH D061325, MONDO:0003582. Disease mechanism: loss of function.
Hereditary cancer-predisposing syndrome. Also called: Neoplastic Syndromes, Hereditary; Hereditary Cancer Syndrome; Hereditary neoplastic syndrome; Tumor predisposition. Identifiers: Orphanet 140162, MedGen C0027672, MeSH D009386, MONDO:0015356.

Allele frequency attached by ClinVar (database versions not stated): gnomAD exomes below 0.00001 and 0.00001.
gnomAD v4.1: 1 of 1,606,360 alleles (0.000062%); highest among the groups gnomAD compares: South Asian, 0.0011%; no homozygotes.

Submissions (5):

Labcorp Genetics (formerly Invitae), Labcorp
Classification: Uncertain significance for Hereditary breast ovarian cancer syndrome. Last evaluated: 2024-10-23. Review status: criteria provided, single submitter. Criteria: Invitae Variant Classification Sherloc (09022015). Collection method: clinical testing. Allele origin: germline.
Comment: This sequence change replaces lysine, which is basic and polar, with glutamic acid, which is acidic and polar, at codon 1860 of the BRCA2 protein (p.Lys1860Glu). This variant is present in population databases (no rsID available, gnomAD 0.007%). This variant has not been reported in the literature in individuals affected with BRCA2-related conditions. ClinVar contains an entry for this variant (Variation ID: 479371). Invitae Evidence Modeling of protein sequence and biophysical properties (such as structural, functional, and spatial information, amino acid conservation, physicochemical variation, residue mobility, and thermodynamic stability) indicates that this missense variant is not expected to disrupt BRCA2 protein function with a negative predictive value of 95%. In summary, the available evidence is currently insufficient to determine the role of this variant in disease. Therefore, it has been classified as a Variant of Uncertain Significance.

GeneDx
Classification: Uncertain significance. Last evaluated: 2024-02-09. Review status: criteria provided, single submitter. Criteria: GeneDx Variant Classification Process June 2021. Collection method: clinical testing. Allele origin: germline. Affected: yes.
Comment: In silico analysis supports that this missense variant does not alter protein structure/function; Not observed at significant frequency in large population cohorts (gnomAD); Also known as 5806A>G; This variant is associated with the following publications: (PMID: 20104584, 33939675, 9002670, 22193408)

Ambry Genetics
Classification: Uncertain significance for Hereditary cancer-predisposing syndrome. Last evaluated: 2023-10-05. Review status: criteria provided, single submitter. Criteria: Ambry Variant Classification Scheme 2023. Collection method: clinical testing. Allele origin: germline.
Comment: The p.K1860E variant (also known as c.5578A>G), located in coding exon 10 of the BRCA2 gene, results from an A to G substitution at nucleotide position 5578. The lysine at codon 1860 is replaced by glutamic acid, an amino acid with similar properties. This variant has been identified in an individual with breast cancer (Borg A et al. Hum Mutat, 2010 Mar;31:E1200-40). This amino acid position is not well conserved in available vertebrate species. In addition, this alteration is predicted to be tolerated by in silico analysis. Since supporting evidence is limited at this time, the clinical significance of this alteration remains unclear.

University of Washington Department of Laboratory Medicine, University of Washington
Classification: Likely benign for Hereditary cancer-predisposing syndrome. Last evaluated: 2023-03-23. Review status: criteria provided, single submitter. Criteria: Dines et al. (Genet Med. 2020). Collection method: curation. Allele origin: germline.
Comment: Missense variant in a coldspot region where missense variants are very unlikely to be pathogenic (PMID:31911673).

BRCA2 exon 11 coldspot. Reclassification based on statistical prior probability.

Color Diagnostics, LLC DBA Color Health
Classification: Uncertain significance for Hereditary cancer-predisposing syndrome. Last evaluated: 2019-05-15. Review status: criteria provided, single submitter. Criteria: ACMG Guidelines, 2015. Collection method: clinical testing. Allele origin: germline.

Literature cited by the submitters: PubMed 20104584 (cited by Ambry Genetics).

NM_000059.4(BRCA2):c.5578A>G (p.Lys1860Glu)

Gene: BRCA2 (BRCA2 DNA repair associated; plus strand). Cytogenetic location: 13q13.1.
Variant type: single nucleotide variant.
Coding change: c.5578A>G on transcript NM_000059.4 (MANE Select); coding-DNA position 5578, A replaced by G.
Protein change: p.Lys1860Glu; replaces lysine 1860 with glutamic acid.
Molecular consequence: missense variant.
Genome position (GRCh38, 1-based): chr13:32,339,933, A>G. VCF-style: chr13-32339933-A-G. GRCh37 (hg19) VCF-style: chr13-32914070-A-G.
Other names: short protein forms K1860E.
Identifiers: ClinVar variation 479371 (VCV000479371.19), dbSNP rs431825332, ClinGen allele CA387786009.